The following is an entry in ClinVar:

ClinVar aggregate classification (germline): Pathogenic. Review status: criteria provided, multiple submitters, no conflicts (2 of 4 stars). 2 submissions from 2 submitters: Pathogenic (2). Last evaluated 2024-06-05.

Conditions:
Tuberous sclerosis 2 (TSC2). Identifiers: Orphanet 805, MedGen C1860707, MONDO:0013199, OMIM 613254.

Submissions (2):

ARUP Laboratories, Molecular Genetics and Genomics, ARUP Laboratories
Classification: Pathogenic. Last evaluated: 2024-06-05. Review status: criteria provided, single submitter. Criteria: ARUP Molecular Germline Variant Investigation Process 2024. Collection method: clinical testing. Allele origin: germline.
Comment: The TSC2 c.3505del; p.Ala1169ProfsTer22 variant, to our knowledge, is not reported in the medical literature but is reported in ClinVar (Variation ID: 1071355). This variant is absent from the Genome Aggregation Database (v2.1.1), indicating it is not a common polymorphism. This variant causes a frameshift by deleting a single nucleotide, so it is predicted to result in a truncated protein or mRNA subject to nonsense-mediated decay. Additionally, numerous downstream truncating variants have been described in individuals with tuberous sclerosis complex and are considered pathogenic (Ding 2020, Yang 2017). Based on available information, the p.Ala1169ProfsTer22 variant is considered to be pathogenic. References: Ding Y et al. Genotype and Phenotype Analysis of Chinese Children With Tuberous Sclerosis Complex: A Pediatric Cohort Study. Front Genet. 2020 Mar 10;11:204. PMID: 32211034. Yang G et al. Phenotypic and genotypic characterization of Chinese children diagnosed with tuberous sclerosis complex. Clin Genet. 2017 May;91(5):764-768. PMID: 27859028.

Labcorp Genetics (formerly Invitae), Labcorp
Classification: Pathogenic for Tuberous sclerosis 2. Last evaluated: 2020-10-05. Review status: criteria provided, single submitter. Criteria: Invitae Variant Classification Sherloc (09022015). Collection method: clinical testing. Allele origin: germline.
Comment: For these reasons, this variant has been classified as Pathogenic. Loss-of-function variants in TSC2 are known to be pathogenic (PMID: 10205261, 17304050). This variant has not been reported in the literature in individuals with TSC2-related conditions. This variant is not present in population databases (ExAC no frequency). This sequence change creates a premature translational stop signal (p.Ala1169Profs*22) in the TSC2 gene. It is expected to result in an absent or disrupted protein product.

Literature cited by the submitters: PubMed 10205261 (cited by Labcorp Genetics (formerly Invitae), Labcorp); PubMed 17304050 (cited by Labcorp Genetics (formerly Invitae), Labcorp).

NM_000548.5(TSC2):c.3505del (p.Ala1169fs)

Gene: TSC2 (TSC complex subunit 2; plus strand). Cytogenetic location: 16p13.3.
Variant type: Deletion.
Coding change: c.3505del on transcript NM_000548.5 (MANE Select); coding-DNA position 3505, one base deleted (G; older notation c.3505delG).
Protein change: p.Ala1169fs; shifts the reading frame from alanine 1169.
Molecular consequence: frameshift variant.
Genome position (GRCh38, 1-based): chr16:2,080,272, G deleted; the last of 2 consecutive G bases (chr16:2,080,271-2,080,272); deleting either gives the same sequence. VCF-style (leftmost placement, unchanged base first): chr16-2080270-AG-A. GRCh37 (hg19) VCF-style: chr16-2130271-AG-A.
Other names: c.3373del, p.Ala1125fs (NM_001077183.3, NM_001370404.1); c.3505del, p.Ala1169fs (NM_001114382.3); c.3265del, p.Ala1089fs (NM_001318827.2); c.3229del, p.Ala1077fs (NM_001318829.2); c.2773del, p.Ala925fs (NM_001318831.2); c.3406del, p.Ala1136fs (NM_001318832.2); c.3376del, p.Ala1126fs (NM_001363528.2, NM_001370405.1, NM_021055.3); short protein forms A1077fs, A1089fs, A1125fs, A1126fs, A1136fs, A1169fs, A925fs.
Identifiers: ClinVar variation 1071355 (VCV001071355.8), dbSNP rs2151459190, ClinGen allele CA2499223321.